The following is an entry in ClinVar:

NM_002878.4(RAD51D):c.521A>T (p.Asp174Val)

Genes: RAD51D (RAD51 paralog D; minus strand), RAD51L3-RFFL (RAD51L3-RFFL readthrough; minus strand). Cytogenetic location: 17q12.
Variant type: single nucleotide variant.
Coding change: c.521A>T on transcript NM_002878.4 (MANE Select); coding-DNA position 521, A replaced by T.
Protein change: p.Asp174Val; replaces aspartic acid 174 with valine.
Molecular consequence: missense variant. On other transcripts: non-coding transcript variant (3).
Genome position (GRCh38, 1-based): chr17:35,106,441, T>A on the plus strand (A>T on the coding strand, the complement: RAD51D is on the minus strand). VCF-style: chr17-35106441-T-A. GRCh37 (hg19) VCF-style: chr17-33433460-T-A.
Other names: c.581A>T, p.Asp194Val (NM_001142571.2); c.185A>T, p.Asp62Val (NM_133629.3); short protein forms D174V, D194V, D62V.
Identifiers: ClinVar variation 1718468 (VCV001718468.7), dbSNP rs2142429336, ClinGen allele CA399088834.
Genomic context (GRCh38, chr17:35,106,441, plus strand): 5'-CTCACCTGCTGGGCCACAGTGCCTCGGAGCTCCTGCAGCACATCCAGCATCTGGAAGATG[T>A]CAAATGCATGCACCACCTGGATCCTCCGGAGAGCTTCTGCCTGAAGCGGTGGAAAAGAAA-3'
Protein context (NP_002869.3, residues 164-184): LRRIQVVHAF[Asp174Val]IFQMLDVLQE

ClinVar aggregate classification (germline): Uncertain significance. Review status: criteria provided, multiple submitters, no conflicts (2 of 4 stars). 2 submissions from 2 submitters: Uncertain significance (2). Last evaluated 2024-05-22.

Conditions:
Breast-ovarian cancer, familial, susceptibility to, 4. Identifiers: Orphanet 145, MedGen C3280345, MONDO:0013669, OMIM 614291.
Hereditary cancer-predisposing syndrome. Also called: Hereditary neoplastic syndrome; Neoplastic Syndromes, Hereditary; Hereditary Cancer Syndrome; Tumor predisposition. Identifiers: Orphanet 140162, MedGen C0027672, MeSH D009386, MONDO:0015356.

gnomAD v4.1: 1 of 1,613,346 alleles (0.000062%); highest among the groups gnomAD compares: Non-Finnish European, 0.000085%; no homozygotes.

Submissions (2):

Labcorp Genetics (formerly Invitae), Labcorp
Classification: Uncertain significance for Breast-ovarian cancer, familial, susceptibility to, 4. Last evaluated: 2024-05-22. Review status: criteria provided, single submitter. Criteria: Invitae Variant Classification Sherloc (09022015). Collection method: clinical testing. Allele origin: germline.
Comment: This sequence change replaces aspartic acid, which is acidic and polar, with valine, which is neutral and non-polar, at codon 174 of the RAD51D protein (p.Asp174Val). This variant is not present in population databases (gnomAD no frequency). This variant has not been reported in the literature in individuals affected with RAD51D-related conditions. ClinVar contains an entry for this variant (Variation ID: 1718468). Advanced modeling of protein sequence and biophysical properties (such as structural, functional, and spatial information, amino acid conservation, physicochemical variation, residue mobility, and thermodynamic stability) performed at Invitae indicates that this missense variant is expected to disrupt RAD51D protein function with a positive predictive value of 80%. In summary, the available evidence is currently insufficient to determine the role of this variant in disease. Therefore, it has been classified as a Variant of Uncertain Significance.

Ambry Genetics
Classification: Uncertain significance for Hereditary cancer-predisposing syndrome. Last evaluated: 2023-02-16. Review status: criteria provided, single submitter. Criteria: Ambry Variant Classification Scheme 2023. Collection method: clinical testing. Allele origin: germline.
Comment: The p.D174V variant (also known as c.521A>T), located in coding exon 6 of the RAD51D gene, results from an A to T substitution at nucleotide position 521. The aspartic acid at codon 174 is replaced by valine, an amino acid with highly dissimilar properties. This amino acid position is conserved. In addition, this alteration is predicted to be deleterious by in silico analysis. Since supporting evidence is limited at this time, the clinical significance of this alteration remains unclear.